The following is an entry in ClinVar:

ClinVar aggregate classification (germline): Benign (1 of 4 stars; one submission).

Conditions:
Cone-rod dystrophy 7 (CORD7). Identifiers: Orphanet 1872, MedGen C1863634, MONDO:0011355, OMIM 603649.

Allele frequency attached by ClinVar (database versions not stated): gnomAD 0.11322 and 0.11554; TOPMed 0.11250; 1000 Genomes Project 30x 0.07417; gnomAD exomes 0.09535; 1000 Genomes Project 0.07169.
gnomAD v4.1: 17,311 of 152,682 alleles (11%); highest among the groups gnomAD compares: Non-Finnish European, 16%; 1,175 homozygotes.

Submission:

Illumina Laboratory Services, Illumina
Classification: Benign for Cone-rod dystrophy 7. Last evaluated: 2018-01-13. Review status: criteria provided, single submitter. Criteria: ICSL Variant Classification Criteria 13 December 2019. Collection method: clinical testing. Allele origin: germline.
Comment: This variant was observed in the ICSL laboratory as part of a predisposition screen in an ostensibly healthy population. It had not been previously curated by ICSL or reported in the Human Gene Mutation Database (HGMD: prior to June 1st, 2018), and was therefore a candidate for classification through an automated scoring system. Utilizing variant allele frequency, disease prevalence and penetrance estimates, and inheritance mode, an automated score was calculated to assess if this variant is too frequent to cause the disease. Based on the score and internal cut-off values, a variant classified as benign is not then subjected to further curation. The score for this variant resulted in a classification of benign for this disease.

NM_014989.7(RIMS1):c.*1494T>C

Gene: RIMS1 (regulating synaptic membrane exocytosis 1; plus strand). Cytogenetic location: 6q13.
Variant type: single nucleotide variant.
Coding change: c.*1494T>C on transcript NM_014989.7 (MANE Select); 1494 bases downstream of the stop codon, T replaced by C.
Molecular consequence: 3 prime UTR variant.
Genome position (GRCh38, 1-based): chr6:72,402,208, T>C. VCF-style: chr6-72402208-T-C. GRCh37 (hg19) VCF-style: chr6-73111910-T-C.
Other names: c.*1494T>C (NM_001168407.2, NM_001168408.2, NM_001168409.2 and 60 more transcripts).
Identifiers: ClinVar variation 357886 (VCV000357886.5), dbSNP rs73750480, ClinGen allele CA10627510.